The following is an entry in ClinVar:

ClinVar aggregate classification (germline): Uncertain significance. Review status: criteria provided, multiple submitters, no conflicts (2 of 4 stars). 3 submissions from 3 submitters: Uncertain significance (3). Last evaluated 2025-12-04.

Conditions:
Cardiomyopathy (CMYO). Also called: Cardiomyopathies. Identifiers: Orphanet 167848, MedGen C0878544, MONDO:0004994, HP:0001638. Inheritance: Various modes of inheritance.
Cardiovascular phenotype. Identifiers: MedGen CN230736.
Hypertrophic cardiomyopathy. Also called: HYPERTROPHIC MYOCARDIOPATHY. Identifiers: Orphanet 217569, MedGen C0007194, MeSH D002312, MONDO:0005045, HP:0001639.

Submissions (3):

Labcorp Genetics (formerly Invitae), Labcorp
Classification: Uncertain significance for Hypertrophic cardiomyopathy. Last evaluated: 2025-12-04. Review status: criteria provided, single submitter. Criteria: Invitae Variant Classification Sherloc (09022015). Collection method: clinical testing. Allele origin: germline.
Comment: This sequence change replaces aspartic acid, which is acidic and polar, with asparagine, which is neutral and polar, at codon 7 of the TNNI3 protein (p.Asp7Asn). This variant is present in population databases (no rsID available, gnomAD 0.006%). This variant has not been reported in the literature in individuals affected with TNNI3-related conditions. ClinVar contains an entry for this variant (Variation ID: 3971622). An algorithm developed to predict the effect of missense changes on protein structure and function outputs the following: PolyPhen-2: "Not Available". The asparagine amino acid residue is found in multiple mammalian species, which suggests that this missense change does not adversely affect protein function. In summary, the available evidence is currently insufficient to determine the role of this variant in disease. Therefore, it has been classified as a Variant of Uncertain Significance.

Color Diagnostics, LLC DBA Color Health
Classification: Uncertain significance for Cardiomyopathy. Last evaluated: 2025-07-14. Review status: criteria provided, single submitter. Criteria: ACMG Guidelines, 2015. Collection method: clinical testing. Allele origin: germline.
Comment: This missense variant replaces aspartic acid with asparagine at codon 7 of the TNNI3 protein. Computational prediction suggests that this variant may not impact protein structure and function. To our knowledge, functional studies have not been reported for this variant. This variant has not been reported in individuals affected with TNNI3-related disorders in the literature. This variant has been identified in 2/242122 chromosomes in the general population by the Genome Aggregation Database (gnomAD). The available evidence is insufficient to determine the role of this variant in disease conclusively. Therefore, this variant is classified as a Variant of Uncertain Significance.

Ambry Genetics
Classification: Uncertain significance for Cardiovascular phenotype. Last evaluated: 2025-04-12. Review status: criteria provided, single submitter. Criteria: Ambry Variant Classification Scheme 2023. Collection method: clinical testing. Allele origin: germline.
Comment: The p.D7N variant (also known as c.19G>A), located in coding exon 2 of the TNNI3 gene, results from a G to A substitution at nucleotide position 19. The aspartic acid at codon 7 is replaced by asparagine, an amino acid with highly similar properties. This amino acid position is conserved. In addition, this alteration is predicted to be tolerated by in silico analysis. Based on the available evidence, the clinical significance of this variant remains unclear.

NM_000363.5(TNNI3):c.19G>A (p.Asp7Asn)

Gene: TNNI3 (troponin I3, cardiac type; minus strand). Cytogenetic location: 19q13.42.
Variant type: single nucleotide variant.
Coding change: c.19G>A on transcript NM_000363.5 (MANE Select); coding-DNA position 19, G replaced by A.
Protein change: p.Asp7Asn; replaces aspartic acid 7 with asparagine.
Molecular consequence: missense variant.
Genome position (GRCh38, 1-based): chr19:55,157,301, C>T on the plus strand (G>A on the coding strand, the complement: TNNI3 is on the minus strand). VCF-style: chr19-55157301-C-T. GRCh37 (hg19) VCF-style: chr19-55668669-C-T.
Other names: short protein forms D7N.
Identifiers: ClinVar variation 3971622 (VCV003971622.2).